The following is an entry in ClinVar:

ClinVar aggregate classification (germline): Uncertain significance. Review status: criteria provided, multiple submitters, no conflicts (2 of 4 stars). 2 submissions from 2 submitters: Uncertain significance (2). Last evaluated 2024-11-22.

Conditions:
Inborn genetic diseases. Identifiers: MedGen C0950123, MeSH D030342.

gnomAD v4.1: 4 of 1,608,080 alleles (0.00025%); highest among the groups gnomAD compares: African/African-American, 0.004%; no homozygotes.

Submissions (2):

Ambry Genetics
Classification: Uncertain significance for Inborn genetic diseases. Last evaluated: 2024-11-22. Review status: criteria provided, single submitter. Criteria: Ambry Variant Classification Scheme 2023. Collection method: clinical testing. Allele origin: germline.
Comment: The p.G200C variant (also known as c.598G>T), located in coding exon 8 of the ASXL1 gene, results from a G to T substitution at nucleotide position 598. The glycine at codon 200 is replaced by cysteine, an amino acid with highly dissimilar properties. This amino acid position is conserved. In addition, this alteration is predicted to be tolerated by in silico analysis. Based on the available evidence, the clinical significance of this variant remains unclear.

Labcorp Genetics (formerly Invitae), Labcorp
Classification: Uncertain significance. Last evaluated: 2022-07-26. Review status: criteria provided, single submitter. Criteria: Invitae Variant Classification Sherloc (09022015). Collection method: clinical testing. Allele origin: germline.
Comment: This variant is not present in population databases (gnomAD no frequency). In summary, the available evidence is currently insufficient to determine the role of this variant in disease. Therefore, it has been classified as a Variant of Uncertain Significance. Algorithms developed to predict the effect of missense changes on protein structure and function are either unavailable or do not agree on the potential impact of this missense change (SIFT: "Deleterious"; PolyPhen-2: "Probably Damaging"; Align-GVGD: "Class C0"). ClinVar contains an entry for this variant (Variation ID: 1350064). This variant has not been reported in the literature in individuals affected with ASXL1-related conditions. This sequence change replaces glycine, which is neutral and non-polar, with cysteine, which is neutral and slightly polar, at codon 200 of the ASXL1 protein (p.Gly200Cys).

NM_015338.6(ASXL1):c.598G>T (p.Gly200Cys)

Gene: ASXL1 (ASXL transcriptional regulator 1; plus strand). Cytogenetic location: 20q11.21.
Variant type: single nucleotide variant.
Coding change: c.598G>T on transcript NM_015338.6 (MANE Select); coding-DNA position 598, G replaced by T.
Protein change: p.Gly200Cys; replaces glycine 200 with cysteine.
Molecular consequence: missense variant. On other transcripts: intron variant (1).
Genome position (GRCh38, 1-based): chr20:32,429,933, G>T. VCF-style: chr20-32429933-G-T. GRCh37 (hg19) VCF-style: chr20-31017736-G-T.
Other names: c.535+502G>T (NM_001363734.1); c.598G>T (NM_015338.5); short protein forms G200C.
Identifiers: ClinVar variation 1350064 (VCV001350064.9), dbSNP rs368981019, ClinGen allele CA408552929.